The following is an entry in ClinVar:

ClinVar aggregate classification (germline): Conflicting classifications of pathogenicity. Review status: criteria provided, conflicting classifications (1 of 4 stars). 3 submissions from 3 submitters: Uncertain significance (2); Likely benign (1). Last evaluated 2025-06-17.

Conditions:
Thrombocytopenia 2 (THC2). Also called: ANKRD26-Related Thrombocytopenia. Identifiers: Orphanet 268322, MedGen C1861185, MONDO:0008555, OMIM 188000.
Inborn genetic diseases. Identifiers: MedGen C0950123, MeSH D030342.

Allele frequency attached by ClinVar (database versions not stated): gnomAD 0.00001; TOPMed 0.00001; gnomAD exomes 0.00002; ExAC 0.00003; ESP Exome Variant Server 0.00008.
gnomAD v4.1: 24 of 1,608,074 alleles (0.0015%); highest among the groups gnomAD compares: Non-Finnish European, 0.002%; no homozygotes.

Submissions (3):

St. Jude Molecular Pathology, St. Jude Children's Research Hospital
Classification: Uncertain significance for Thrombocytopenia 2. Last evaluated: 2025-06-17. Review status: criteria provided, single submitter. Criteria: St. Jude Assertion Criteria 2020. Collection method: clinical testing. Allele origin: germline.
Comment: The ANKRD26 c.1667A>G p.(Asn556Ser) missense change has a maximum subpopulation frequency of 0.0019% in gnomAD v2.1.1. This variant is not located in the 5' UTR. The in silico tool REVEL predicts a benign effect on protein function, but to our knowledge this prediction has not been confirmed by functional studies. To our knowledge, this variant has not been reported in individuals with ANKRD26-related thrombocytopenia. In summary, the evidence currently available is insufficient to determine the clinical significance of this variant. It has therefore been classified as of uncertain significance.

Ambry Genetics
Classification: Likely benign for Inborn genetic diseases. Last evaluated: 2024-12-06. Review status: criteria provided, single submitter. Criteria: Ambry Variant Classification Scheme 2023. Collection method: clinical testing. Allele origin: germline.

Labcorp Genetics (formerly Invitae), Labcorp
Classification: Uncertain significance. Last evaluated: 2024-04-25. Review status: criteria provided, single submitter. Criteria: Invitae Variant Classification Sherloc (09022015). Collection method: clinical testing. Allele origin: germline.
Comment: This sequence change replaces asparagine, which is neutral and polar, with serine, which is neutral and polar, at codon 556 of the ANKRD26 protein (p.Asn556Ser). This variant is present in population databases (rs374100005, gnomAD 0.002%). This variant has not been reported in the literature in individuals affected with ANKRD26-related conditions. ClinVar contains an entry for this variant (Variation ID: 2170112). Algorithms developed to predict the effect of missense changes on protein structure and function output the following: SIFT: "Not Available"; PolyPhen-2: "Benign"; Align-GVGD: "Not Available". The serine amino acid residue is found in multiple mammalian species, which suggests that this missense change does not adversely affect protein function. In summary, the available evidence is currently insufficient to determine the role of this variant in disease. Therefore, it has been classified as a Variant of Uncertain Significance.

NM_014915.3(ANKRD26):c.1667A>G (p.Asn556Ser)

Gene: ANKRD26 (ankyrin repeat domain 26; minus strand). Cytogenetic location: 10p12.1.
Variant type: single nucleotide variant.
Coding change: c.1667A>G on transcript NM_014915.3 (MANE Select); coding-DNA position 1667, A replaced by G.
Protein change: p.Asn556Ser; replaces asparagine 556 with serine.
Molecular consequence: missense variant.
Genome position (GRCh38, 1-based): chr10:27,048,948, T>C on the plus strand (A>G on the coding strand, the complement: ANKRD26 is on the minus strand). VCF-style: chr10-27048948-T-C. GRCh37 (hg19) VCF-style: chr10-27337877-T-C.
Other names: c.1667A>G, p.Asn556Ser (NM_001256053.2); short protein forms N556S.
Identifiers: ClinVar variation 2170112 (VCV002170112.7), dbSNP rs374100005, ClinGen allele CA5448433.